The following is an entry in ClinVar:

NM_000054.7(AVPR2):c.126G>A (p.Ala42=)

Gene: AVPR2 (arginine vasopressin receptor 2; plus strand). Cytogenetic location: Xq28.
Variant type: single nucleotide variant.
Coding change: c.126G>A on transcript NM_000054.7 (MANE Select); coding-DNA position 126, G replaced by A.
Protein change: p.Ala42=; no amino-acid change (alanine 42 retained).
Molecular consequence: synonymous variant.
Genome position (GRCh38, 1-based): chrX:153,905,632, G>A. VCF-style: chrX-153905632-G-A. GRCh37 (hg19) VCF-style: chrX-153171086-G-A.
Other names: c.126G>A, p.Ala42= (NM_001146151.3).
Identifiers: ClinVar variation 913722 (VCV000913722.33), dbSNP rs2234695, ClinGen allele CA10554951.

ClinVar aggregate classification (germline): Benign/Likely benign. Review status: criteria provided, multiple submitters, no conflicts (2 of 4 stars). 4 submissions from 4 submitters: Benign (3); Likely benign (1). Last evaluated 2026-01-19.

Conditions:
Diabetes insipidus, nephrogenic, X-linked. Also called: Nephrogenic Diabetes Insipidus, Type I. Identifiers: Orphanet 223, MedGen C1563705, MONDO:0010581, OMIM 304800.

Allele frequency attached by ClinVar (database versions not stated): ESP Exome Variant Server 0.00009; gnomAD exomes 0.00014 and 0.00054; gnomAD 0.00016 and 0.00020; TOPMed 0.00024; 1000 Genomes Project 30x 0.00062; 1000 Genomes Project 0.00079; ExAC 0.00090.
gnomAD v4.1: 182 of 1,210,283 alleles (0.015%); highest among the groups gnomAD compares: East Asian, 0.49%; no homozygotes.

Submissions (4):

Labcorp Genetics (formerly Invitae), Labcorp
Classification: Benign. Last evaluated: 2026-01-19. Review status: criteria provided, single submitter. Criteria: Invitae Variant Classification Sherloc (09022015). Collection method: clinical testing. Allele origin: germline.

CeGaT Center for Human Genetics Tuebingen
Classification: Likely benign. Last evaluated: 2022-11-01. Review status: criteria provided, single submitter. Criteria: CeGaT Center For Human Genetics Tuebingen Variant Classification Criteria Version 2. Collection method: clinical testing. Allele origin: germline. Affected: yes. Observed: 1 variant allele.
Comment: AVPR2: BP4, BP7, BS2

Illumina Laboratory Services, Illumina
Classification: Benign for Diabetes insipidus, nephrogenic, X-linked. Last evaluated: 2018-01-12. Review status: criteria provided, single submitter. Criteria: ICSL Variant Classification Criteria 13 December 2019. Collection method: clinical testing. Allele origin: germline.
Comment: This variant was observed in the ICSL laboratory as part of a predisposition screen in an ostensibly healthy population. It had not been previously curated by ICSL or reported in the Human Gene Mutation Database (HGMD: prior to June 1st, 2018), and was therefore a candidate for classification through an automated scoring system. Utilizing variant allele frequency, disease prevalence and penetrance estimates, and inheritance mode, an automated score was calculated to assess if this variant is too frequent to cause the disease. Based on the score and internal cut-off values, a variant classified as benign is not then subjected to further curation. The score for this variant resulted in a classification of benign for this disease.

Breakthrough Genomics
Classification: Benign. Review status: criteria provided, single submitter. Criteria: ACMG Guidelines, 2015. Collection method: not provided. Allele origin: germline. Inheritance: X-linked inheritance. Affected: yes.